The following is an entry in ClinVar:

ClinVar aggregate classification (germline): Uncertain significance. Review status: criteria provided, multiple submitters, no conflicts (2 of 4 stars). 3 submissions from 3 submitters: Uncertain significance (3). Last evaluated 2026-10-01.

Conditions:
DICER1-related tumor predisposition. Also called: DICER1-related pleuropulmonary blastoma cancer predisposition syndrome; DICER1 syndrome. Identifiers: Orphanet 284343, MedGen C3839822, MONDO:0100216.
Pleuropulmonary blastoma (PPB). Identifiers: Orphanet 64742, MedGen C1266144, MONDO:0011014, OMIM 601200, HP:0100528.
Hereditary cancer-predisposing syndrome. Also called: Hereditary Cancer Syndrome; Tumor predisposition; Neoplastic Syndromes, Hereditary; Hereditary neoplastic syndrome. Identifiers: Orphanet 140162, MedGen C0027672, MeSH D009386, MONDO:0015356.

Allele frequency attached by ClinVar (database versions not stated): TOPMed below 0.00001; gnomAD 0.00001.
gnomAD v4.1: 1 of 1,613,694 alleles (0.000062%); highest among the groups gnomAD compares: Non-Finnish European, 0.000085%; no homozygotes.

Submissions (3):

St. Jude Molecular Pathology, St. Jude Children's Research Hospital
Classification: Uncertain significance for Pleuropulmonary blastoma. Last evaluated: 2026-10-01. Review status: criteria provided, single submitter. Criteria: St. Jude Assertion Criteria 2020. Collection method: clinical testing. Allele origin: germline.
Comment: The DICER1 c.2864C>T p.(Thr955Ile) missense is absent in gnomAD v2.1.1. The in silico tool REVEL is inconclusive about a pathogenic or benign effect of this variant on protein function, and to our knowledge functional studies have not been performed. To our knowledge, this variant has not been reported in individuals with DICER1 syndrome. In summary, the evidence currently available is insufficient to determine the clinical significance of this variant. It has therefore been classified as of uncertain significance.

Ambry Genetics
Classification: Uncertain significance for Hereditary cancer-predisposing syndrome. Last evaluated: 2025-06-25. Review status: criteria provided, single submitter. Criteria: Ambry Variant Classification Scheme 2023. Collection method: clinical testing. Allele origin: germline.
Comment: The p.T955I variant (also known as c.2864C>T), located in coding exon 17 of the DICER1 gene, results from a C to T substitution at nucleotide position 2864. The threonine at codon 955 is replaced by isoleucine, an amino acid with similar properties. This amino acid position is highly conserved in available vertebrate species. In addition, the in silico prediction for this alteration is inconclusive. Since supporting evidence is limited at this time, the clinical significance of this alteration remains unclear.

Labcorp Genetics (formerly Invitae), Labcorp
Classification: Uncertain significance for DICER1-related tumor predisposition. Last evaluated: 2025-06-01. Review status: criteria provided, single submitter. Criteria: Invitae Variant Classification Sherloc (09022015). Collection method: clinical testing. Allele origin: germline.
Comment: This sequence change replaces threonine, which is neutral and polar, with isoleucine, which is neutral and non-polar, at codon 955 of the DICER1 protein (p.Thr955Ile). This variant is not present in population databases (gnomAD no frequency). This variant has not been reported in the literature in individuals affected with DICER1-related conditions. ClinVar contains an entry for this variant (Variation ID: 840467). Invitae Evidence Modeling of protein sequence and biophysical properties (such as structural, functional, and spatial information, amino acid conservation, physicochemical variation, residue mobility, and thermodynamic stability) indicates that this missense variant is not expected to disrupt DICER1 protein function with a negative predictive value of 95%. In summary, the available evidence is currently insufficient to determine the role of this variant in disease. Therefore, it has been classified as a Variant of Uncertain Significance.

NM_177438.3(DICER1):c.2864C>T (p.Thr955Ile)

Gene: DICER1 (dicer 1, ribonuclease III; minus strand). Cytogenetic location: 14q32.13.
Variant type: single nucleotide variant.
Coding change: c.2864C>T on transcript NM_177438.3 (MANE Select); coding-DNA position 2864, C replaced by T.
Protein change: p.Thr955Ile; replaces threonine 955 with isoleucine.
Molecular consequence: missense variant.
Genome position (GRCh38, 1-based): chr14:95,106,164, G>A on the plus strand (C>T on the coding strand, the complement: DICER1 is on the minus strand). VCF-style: chr14-95106164-G-A. GRCh37 (hg19) VCF-style: chr14-95572501-G-A.
Other names: c.2864C>T, p.Thr955Ile (NM_001195573.1, NM_001271282.3, NM_001291628.2 and 1 more transcripts); short protein forms T955I.
Identifiers: ClinVar variation 840467 (VCV000840467.15), dbSNP rs1167965153, ClinGen allele CA390879089.